The following is an entry in ClinVar:

NM_001710.6(CFB):c.301A>G (p.Ile101Val)

Gene: CFB (complement factor B; plus strand). Cytogenetic location: 6p21.33.
Variant type: single nucleotide variant.
Coding change: c.301A>G on transcript NM_001710.6 (MANE Select); coding-DNA position 301, A replaced by G.
Protein change: p.Ile101Val; replaces isoleucine 101 with valine.
Molecular consequence: missense variant.
Genome position (GRCh38, 1-based): chr6:31,947,009, A>G. VCF-style: chr6-31947009-A-G. GRCh37 (hg19) VCF-style: chr6-31914786-A-G.
Other names: c.301A>G (NM_001710.5); short protein forms I101V.
Identifiers: ClinVar variation 1007177 (VCV001007177.10), dbSNP rs980506964, ClinGen allele CA136893681.

ClinVar aggregate classification (germline): Uncertain significance. Review status: criteria provided, multiple submitters, no conflicts (2 of 4 stars). 3 submissions from 3 submitters: Uncertain significance (3). Last evaluated 2025-09-09.

Conditions:
Inborn genetic diseases. Identifiers: MedGen C0950123, MeSH D030342.

Allele frequency attached by ClinVar (database versions not stated): gnomAD exomes below 0.00001; TOPMed 0.00001.
gnomAD v4.1: 14 of 1,612,826 alleles (0.00087%); highest among the groups gnomAD compares: East Asian, 0.0045%; no homozygotes.

Submissions (3):

Labcorp Genetics (formerly Invitae), Labcorp
Classification: Uncertain significance. Last evaluated: 2025-09-09. Review status: criteria provided, single submitter. Criteria: Invitae Variant Classification Sherloc (09022015). Collection method: clinical testing. Allele origin: germline.
Comment: This sequence change replaces isoleucine, which is neutral and non-polar, with valine, which is neutral and non-polar, at codon 101 of the CFB protein (p.Ile101Val). This variant is not present in population databases (gnomAD no frequency). This variant has not been reported in the literature in individuals affected with CFB-related conditions. ClinVar contains an entry for this variant (Variation ID: 1007177). An algorithm developed to predict the effect of missense changes on protein structure and function outputs the following: PolyPhen-2: "Benign". The valine amino acid residue is found in multiple mammalian species, which suggests that this missense change does not adversely affect protein function. Algorithms developed to predict the effect of sequence changes on RNA splicing suggest that this variant may create or strengthen a splice site. In summary, the available evidence is currently insufficient to determine the role of this variant in disease. Therefore, it has been classified as a Variant of Uncertain Significance.

Ambry Genetics
Classification: Uncertain significance for Inborn genetic diseases. Last evaluated: 2024-05-08. Review status: criteria provided, single submitter. Criteria: Ambry Variant Classification Scheme 2023. Collection method: clinical testing. Allele origin: germline.

Blueprint Genetics
Classification: Uncertain significance. Last evaluated: 2021-05-21. Review status: criteria provided, single submitter. Criteria: ACMG Guidelines, 2015. Collection method: clinical testing. Allele origin: germline.